The following is an entry in ClinVar:

NM_177438.3(DICER1):c.4802dup (p.Ala1602fs)

Gene: DICER1 (dicer 1, ribonuclease III; minus strand). Cytogenetic location: 14q32.13.
Variant type: Duplication.
Coding change: c.4802dup on transcript NM_177438.3 (MANE Select); coding-DNA position 4802, one base duplicated (A; older notation c.4802dupA).
Protein change: p.Ala1602fs; shifts the reading frame from alanine 1602.
Molecular consequence: frameshift variant. On other transcripts: non-coding transcript variant (6).
Genome position (GRCh38, 1-based): chr14:95,096,118, T duplicated on the plus strand (A on the coding strand, the reverse complement: DICER1 is on the minus strand); the first of 4 consecutive T bases (chr14:95,096,118-95,096,121); duplicating any one gives the same sequence. VCF-style (leftmost placement, unchanged base first): chr14-95096117-C-CT. GRCh37 (hg19) VCF-style: chr14-95562454-C-CT.
Other names: c.4802dupA (NM_177438.2); c.4397dup, p.Ala1467fs (NM_001395688.1, NM_001395689.1, NM_001395690.1 and 2 more transcripts); c.4235dup, p.Ala1413fs (NM_001395691.1); c.4802dup, p.Ala1602fs (NM_001395692.1, NM_001395693.1, NM_001395694.1 and 12 more transcripts); c.3119dup, p.Ala1041fs (NM_001395697.1); c.4520dup, p.Ala1508fs (NM_001395686.1); short protein forms A1041fs, A1413fs, A1467fs, A1508fs, A1602fs.
Identifiers: ClinVar variation 4869768 (VCV004869768.1).
Genomic context (GRCh38, chr14:95,096,117, plus strand): 5'-ACAGCTCACTGAAAGGTTCTTTTGTTGGCTGTTGAAATTCTCCCGAGTAGGGCACAGGGC[C>CT]TTTTCCCGATCAGTCCTTTTAATTACCGGGAGCACCTTCAGCCCCAGTGAACAGAGGAAA-3'

ClinVar aggregate classification (germline): Pathogenic (1 of 4 stars; one submission).

Conditions:
Hereditary cancer-predisposing syndrome. Also called: Neoplastic Syndromes, Hereditary; Tumor predisposition; Hereditary Cancer Syndrome; Hereditary neoplastic syndrome. Identifiers: Orphanet 140162, MedGen C0027672, MeSH D009386, MONDO:0015356.

Submission:

Ambry Genetics
Classification: Pathogenic for Hereditary cancer-predisposing syndrome. Last evaluated: 2026-04-23. Review status: criteria provided, single submitter. Criteria: Ambry Variant Classification Scheme 2023. Collection method: clinical testing. Allele origin: germline.
Comment: The c.4802dupA pathogenic mutation, located in coding exon 22 of the DICER1 gene, results from a duplication of A at nucleotide position 4802, causing a translational frameshift with a predicted alternate stop codon (p.A1602Gfs*50). This variant is considered to be rare based on population cohorts in the Genome Aggregation Database (gnomAD). This alteration is expected to result in loss of function by premature protein truncation or nonsense-mediated mRNA decay. As such, this alteration is interpreted as a disease-causing mutation.